The following is an entry in ClinVar:

NM_199242.3(UNC13D):c.1236G>T (p.Arg412Ser)

Gene: UNC13D (unc-13 homolog D; minus strand). Cytogenetic location: 17q25.1.
Variant type: single nucleotide variant.
Coding change: c.1236G>T on transcript NM_199242.3 (MANE Select); coding-DNA position 1236, G replaced by T.
Protein change: p.Arg412Ser; replaces arginine 412 with serine.
Molecular consequence: missense variant.
Genome position (GRCh38, 1-based): chr17:75,836,634, C>A on the plus strand (G>T on the coding strand, the complement: UNC13D is on the minus strand). VCF-style: chr17-75836634-C-A. GRCh37 (hg19) VCF-style: chr17-73832715-C-A.
Other names: short protein forms R412S.
Identifiers: ClinVar variation 4768609 (VCV004768609.1).
Genomic context (GRCh38, chr17:75,836,634, plus strand): 5'-GAGAAGAGACTGCAGCCGGGCTGGGGAGTCCGAGACAGAGAGGGGGAAGACAGAGCGGAA[C>A]CTCCGGATGAGGGAGAGGCCGTAGGTCAGCAGGGAGCTGAATGAGGCGGCCAGCTCCTCC-3'
Protein context (NP_954712.1, residues 402-422): LLTYGLSLIR[Arg412Ser]FRSVFPLSVS

ClinVar aggregate classification (germline): Uncertain significance (1 of 4 stars; one submission).

Conditions:
Familial hemophagocytic lymphohistiocytosis 3 (FHL3). Also called: UNC13D-Related Familial Hemophagocytic Lymphohistiocytosis (UNC13D-fHLH). Identifiers: Orphanet 540, MedGen C1837174, MONDO:0012146, OMIM 608898.

gnomAD v4.1: 3 of 1,613,806 alleles (0.00019%); highest among the groups gnomAD compares: South Asian, 0.0022%; no homozygotes.

Submission:

Labcorp Genetics (formerly Invitae), Labcorp
Classification: Uncertain significance for Familial hemophagocytic lymphohistiocytosis 3. Last evaluated: 2025-06-05. Review status: criteria provided, single submitter. Criteria: Invitae Variant Classification Sherloc (09022015). Collection method: clinical testing. Allele origin: germline.
Comment: This sequence change replaces arginine, which is basic and polar, with serine, which is neutral and polar, at codon 412 of the UNC13D protein (p.Arg412Ser). This variant is present in population databases (no rsID available, gnomAD 0.003%). This variant has not been reported in the literature in individuals affected with UNC13D-related conditions. Invitae Evidence Modeling of protein sequence and biophysical properties (such as structural, functional, and spatial information, amino acid conservation, physicochemical variation, residue mobility, and thermodynamic stability) indicates that this missense variant is not expected to disrupt UNC13D protein function with a negative predictive value of 80%. In summary, the available evidence is currently insufficient to determine the role of this variant in disease. Therefore, it has been classified as a Variant of Uncertain Significance.